The following is an entry in ClinVar:

ClinVar aggregate classification (germline): Conflicting classifications of pathogenicity. Review status: criteria provided, conflicting classifications (1 of 4 stars). 11 submissions from 10 submitters: Uncertain significance (2); Benign (3); Likely benign (6). Last evaluated 2026-07-01.

Conditions:
Connective tissue disorder. Also called: Connective tissue disease. Identifiers: MedGen C0009782, MONDO:0003900.
Nephronophthisis. Also called: Juvenile Nephronophthisis. Identifiers: Orphanet 655, MedGen C0687120, MONDO:0019005, HP:0000090.
Jeune thoracic dystrophy. Also called: Jeune syndrome; Infantile thoracic dystrophy; Thoracic pelvic phalangeal dystrophy; Jeune's syndrome; Chondroectodermal dysplasia-like syndrome; Short-rib thoracic dysplasia. Identifiers: Orphanet 474, MedGen C0265275, MONDO:0018770.
Asphyxiating thoracic dystrophy 4 (SRTD4). Also called: SHORT-RIB THORACIC DYSPLASIA 4 WITH OR WITHOUT POLYDACTYLY; SHORT-RIB THORACIC DYSPLASIA 4. Identifiers: Orphanet 474, MedGen C3151185, MONDO:0013441, OMIM 613819.
Nephronophthisis 12 (NPHP12). Identifiers: Orphanet 655, MedGen C3151186, MONDO:0013442, OMIM 613820.

Allele frequency attached by ClinVar (database versions not stated): 1000 Genomes Project 30x 0.00109; 1000 Genomes Project 0.00120.
gnomAD v4.1: 5,472 of 1,614,060 alleles (0.34%); highest among the groups gnomAD compares: Non-Finnish European, 0.41%; 19 homozygotes.

Submissions (11):

CeGaT Center for Human Genetics Tuebingen
Classification: Likely benign. Last evaluated: 2026-07-01. Review status: criteria provided, single submitter. Criteria: CeGaT Center For Human Genetics Tuebingen Variant Classification Criteria Version 2. Collection method: clinical testing. Allele origin: germline. Affected: yes. Observed: 8 variant alleles.
Comment: TTC21B: BP4, BP7, BS2

Labcorp Genetics (formerly Invitae), Labcorp
Classification: Benign for Jeune thoracic dystrophy; Nephronophthisis. Last evaluated: 2026-02-01. Review status: criteria provided, single submitter. Criteria: Invitae Variant Classification Sherloc (09022015). Collection method: clinical testing. Allele origin: germline.

Mayo Clinic Laboratories, Mayo Clinic
Classification: Likely benign. Last evaluated: 2025-09-20. Review status: criteria provided, single submitter. Criteria: ACMG Guidelines, 2015. Collection method: clinical testing. Allele origin: germline. Observed: 1 variant allele.
Comment: BS1, BP4, BP7

Blueprint Genetics
Classification: Likely benign. Last evaluated: 2024-11-25. Review status: criteria provided, single submitter. Criteria: ACMG Guidelines, 2015. Collection method: clinical testing. Allele origin: germline.

ARUP Laboratories, Molecular Genetics and Genomics, ARUP Laboratories
Classification: Benign. Last evaluated: 2022-03-04. Review status: criteria provided, single submitter. Criteria: ARUP Molecular Germline Variant Investigation Process 2021. Collection method: clinical testing. Allele origin: germline.

GeneDx
Classification: Likely benign. Last evaluated: 2021-11-04. Review status: criteria provided, single submitter. Criteria: GeneDx Variant Classification Process June 2021. Collection method: clinical testing. Allele origin: germline. Affected: yes.

Genome Diagnostics Laboratory, The Hospital for Sick Children
Classification: Likely benign for Connective tissue disorder. Last evaluated: 2021-09-07. Review status: criteria provided, single submitter. Criteria: ACMG Guidelines, 2015. Collection method: clinical testing. Allele origin: germline.

Illumina Laboratory Services, Illumina
Classification: Uncertain significance for Nephronophthisis 12. Last evaluated: 2018-01-13. Review status: criteria provided, single submitter. Criteria: ICSL Variant Classification Criteria 13 December 2019. Collection method: clinical testing. Allele origin: germline.

Illumina Laboratory Services, Illumina
Classification: Uncertain significance for Asphyxiating thoracic dystrophy 4. Last evaluated: 2018-01-13. Review status: criteria provided, single submitter. Criteria: ICSL Variant Classification Criteria 13 December 2019. Collection method: clinical testing. Allele origin: germline.

Eurofins Ntd Llc (ga)
Classification: Benign. Last evaluated: 2016-02-01. Review status: criteria provided, single submitter. Criteria: EGL Classification Definitions 2015. Collection method: clinical testing. Allele origin: germline. Observed: 1 variant allele, 1 heterozygote.

PreventionGenetics, part of Exact Sciences
Classification: Likely benign. Review status: criteria provided, single submitter. Criteria: ACMG Guidelines, 2015. Collection method: clinical testing. Allele origin: germline.

NM_024753.5(TTC21B):c.3519T>G (p.Thr1173=)

Gene: TTC21B (tetratricopeptide repeat domain 21B; minus strand). Cytogenetic location: 2q24.3.
Variant type: single nucleotide variant.
Coding change: c.3519T>G on transcript NM_024753.5 (MANE Select); coding-DNA position 3519, T replaced by G.
Protein change: p.Thr1173=; no amino-acid change (threonine 1173 retained).
Molecular consequence: synonymous variant.
Genome position (GRCh38, 1-based): chr2:165,883,959, A>C on the plus strand (T>G on the coding strand, the complement: TTC21B is on the minus strand). VCF-style: chr2-165883959-A-C. GRCh37 (hg19) VCF-style: chr2-166740469-A-C.
Other names: p.Thr1173=.
Identifiers: ClinVar variation 261781 (VCV000261781.71), dbSNP rs115504901, ClinGen allele CA1941480.